The following is an entry in ClinVar:

ClinVar aggregate classification (germline): Uncertain significance (1 of 4 stars; one submission).

Conditions:
Neuromuscular disease caused by qualitative or quantitative defects of dysferlin. Also called: Dysferlinopathy; Qualitative or quantitative defects of dysferlin. Identifiers: Orphanet 207073, MedGen C2931687, MONDO:0016145.

Allele frequency attached by ClinVar (database versions not stated): gnomAD exomes 0.00001; TOPMed 0.00002; ExAC 0.00003; gnomAD 0.00003.
gnomAD v4.1: 19 of 1,614,070 alleles (0.0012%); highest among the groups gnomAD compares: Non-Finnish European, 0.0015%; no homozygotes.

Submission:

Labcorp Genetics (formerly Invitae), Labcorp
Classification: Uncertain significance for Neuromuscular disease caused by qualitative or quantitative defects of dysferlin. Last evaluated: 2024-01-08. Review status: criteria provided, single submitter. Criteria: Invitae Variant Classification Sherloc (09022015). Collection method: clinical testing. Allele origin: germline.
Comment: This sequence change falls in intron 34 of the DYSF gene. It does not directly change the encoded amino acid sequence of the DYSF protein. It affects a nucleotide within the consensus splice site. This variant is present in population databases (rs761566551, gnomAD 0.004%). This variant has not been reported in the literature in individuals affected with DYSF-related conditions. ClinVar contains an entry for this variant (Variation ID: 2151103). Variants that disrupt the consensus splice site are a relatively common cause of aberrant splicing (PMID: 17576681, 9536098). Algorithms developed to predict the effect of sequence changes on RNA splicing suggest that this variant is not likely to affect RNA splicing. In summary, the available evidence is currently insufficient to determine the role of this variant in disease. Therefore, it has been classified as a Variant of Uncertain Significance.

Literature cited by the submitters: PubMed 17576681; PubMed 9536098.

NM_001130987.2(DYSF):c.3898-3C>T

Gene: DYSF (dysferlin; plus strand). Cytogenetic location: 2p13.2.
Variant type: single nucleotide variant.
Coding change: c.3898-3C>T on transcript NM_001130987.2 (MANE Select); 3 bases into the intron before coding-DNA position 3898, C replaced by T.
Molecular consequence: intron variant.
Genome position (GRCh38, 1-based): chr2:71,601,496, C>T. VCF-style: chr2-71601496-C-T. GRCh37 (hg19) VCF-style: chr2-71828626-C-T.
Other names: c.3937-3C>T (NM_001130979.2); c.3895-3C>T (NM_001130981.2, NM_001130980.2); c.3844-3C>T (NM_001130978.2, NM_003494.4); c.3802-3C>T (NM_001130977.2, NM_001130976.2); c.3940-3C>T (NM_001130982.2); c.3898-3C>T (NM_001130985.2); c.3847-3C>T (NM_001130983.2, NM_001130455.2); c.3805-3C>T (NM_001130984.2, NM_001130986.2).
Identifiers: ClinVar variation 2151103 (VCV002151103.3), dbSNP rs761566551, ClinGen allele CA1706772.